The following is an entry in ClinVar:

NM_020964.3(EPG5):c.2803C>T (p.Pro935Ser)

Gene: EPG5 (ectopic P-granules 5 autophagy tethering factor; minus strand). Cytogenetic location: 18q21.1.
Variant type: single nucleotide variant.
Coding change: c.2803C>T on transcript NM_020964.3 (MANE Select); coding-DNA position 2803, C replaced by T.
Protein change: p.Pro935Ser; replaces proline 935 with serine.
Molecular consequence: missense variant.
Genome position (GRCh38, 1-based): chr18:45,923,303, G>A on the plus strand (C>T on the coding strand, the complement: EPG5 is on the minus strand). VCF-style: chr18-45923303-G-A. GRCh37 (hg19) VCF-style: chr18-43503269-G-A.
Other names: c.2803C>T, p.Pro935Ser (NM_001410858.1, NM_001410859.1); short protein forms P935S.
Identifiers: ClinVar variation 2006434 (VCV002006434.4), dbSNP rs2050196248, ClinGen allele CA402345123.
Genomic context (GRCh38, chr18:45,923,303, plus strand): 5'-TCCAAATCAGAAGAGAAGGAAATACCTGCTTCATACTTTCAGAGAGAATCCCAGCATATG[G>A]CTTCTGTGCAAGGTACTTCTGATAAGCTTCAAGAACCATTAAAGCCACTTCAGCATGGAC-3'
Protein context (NP_066015.2, residues 925-945): EAYQKYLAQK[Pro935Ser]YAGILSESMK

ClinVar aggregate classification (germline): Uncertain significance (1 of 4 stars; one submission).

Conditions:
Vici syndrome (VICIS). Identifiers: Orphanet 1493, MedGen C1855772, MONDO:0009452, OMIM 242840.

Submission:

Labcorp Genetics (formerly Invitae), Labcorp
Classification: Uncertain significance for Vici syndrome. Last evaluated: 2022-06-14. Review status: criteria provided, single submitter. Criteria: Invitae Variant Classification Sherloc (09022015). Collection method: clinical testing. Allele origin: germline.
Comment: In summary, the available evidence is currently insufficient to determine the role of this variant in disease. Therefore, it has been classified as a Variant of Uncertain Significance. Algorithms developed to predict the effect of missense changes on protein structure and function are either unavailable or do not agree on the potential impact of this missense change (SIFT: "Tolerated"; PolyPhen-2: "Probably Damaging"; Align-GVGD: "Class C0"). This variant has not been reported in the literature in individuals affected with EPG5-related conditions. This variant is not present in population databases (gnomAD no frequency). This sequence change replaces proline, which is neutral and non-polar, with serine, which is neutral and polar, at codon 935 of the EPG5 protein (p.Pro935Ser).